The following is an entry in ClinVar:

NM_181458.4(PAX3):c.47C>T (p.Pro16Leu)

Genes: CCDC140 (CCDC140 long non-coding RNA; plus strand), PAX3 (paired box 3; minus strand). Cytogenetic location: 2q36.1.
Variant type: single nucleotide variant.
Coding change: c.47C>T on transcript NM_181458.4 (MANE Select); coding-DNA position 47, C replaced by T.
Protein change: p.Pro16Leu; replaces proline 16 with leucine.
Molecular consequence: missense variant.
Genome position (GRCh38, 1-based): chr2:222,298,569, G>A on the plus strand (C>T on the coding strand, the complement: PAX3 is on the minus strand). VCF-style: chr2-222298569-G-A. GRCh37 (hg19) VCF-style: chr2-223163288-G-A.
Other names: c.47C>T, p.Pro16Leu (NM_000438.6, NM_001127366.3, NM_013942.5 and 4 more transcripts); short protein forms P16L.
Identifiers: ClinVar variation 334562 (VCV000334562.13), dbSNP rs886055676, ClinGen allele CA10614498.
Genomic context (GRCh38, chr2:222,298,569, plus strand): 5'-GCGCGCTGAGGCCCTCCCTTACCTTCCAGCGGGAACCCGCTACGCGGGTAGTTCTGCCCC[G>A]GGCCCGGCCGCATCATCCTGGGCACAGCGCCGGCCAGCGTGGTCATCCTGGGGGCAGCTT-3'
Protein context (NP_852123.1, residues 6-26): GAVPRMMRPG[Pro16Leu]GQNYPRSGFP

ClinVar aggregate classification (germline): Uncertain significance. Review status: criteria provided, multiple submitters, no conflicts (2 of 4 stars). 4 submissions from 3 submitters: Uncertain significance (4). Last evaluated 2021-02-01.

Conditions:
Waardenburg syndrome. Also called: Waardenburg's syndrome. Identifiers: Orphanet 3440, MedGen C3266898, MONDO:0018094.
Craniofacial-deafness-hand syndrome (CDHS). Identifiers: Orphanet 1529, MedGen C1852510, MONDO:0007395, OMIM 122880.

Allele frequency attached by ClinVar (database versions not stated): gnomAD 0.00001.
gnomAD v4.1: 2 of 1,607,988 alleles (0.00012%); highest among the groups gnomAD compares: Middle Eastern, 0.016%; no homozygotes.

Submissions (4):

Labcorp Genetics (formerly Invitae), Labcorp
Classification: Uncertain significance. Last evaluated: 2021-02-01. Review status: criteria provided, single submitter. Criteria: Invitae Variant Classification Sherloc (09022015). Collection method: clinical testing. Allele origin: germline.
Comment: This variant is not present in population databases (ExAC no frequency). In summary, the available evidence is currently insufficient to determine the role of this variant in disease. Therefore, it has been classified as a Variant of Uncertain Significance. Algorithms developed to predict the effect of missense changes on protein structure and function are either unavailable or do not agree on the potential impact of this missense change (SIFT: "Deleterious"; PolyPhen-2: "Benign"; Align-GVGD: "Class C0"). This variant has not been reported in the literature in individuals with PAX3-related conditions. ClinVar contains an entry for this variant (Variation ID: 334562). This sequence change replaces proline with leucine at codon 16 of the PAX3 protein (p.Pro16Leu). The proline residue is highly conserved and there is a moderate physicochemical difference between proline and leucine.

Illumina Laboratory Services, Illumina
Classification: Uncertain significance for Craniofacial-deafness-hand syndrome. Last evaluated: 2018-01-13. Review status: criteria provided, single submitter. Criteria: ICSL Variant Classification Criteria 13 December 2019. Collection method: clinical testing. Allele origin: germline.

Illumina Laboratory Services, Illumina
Classification: Uncertain significance for Waardenburg syndrome. Last evaluated: 2018-01-13. Review status: criteria provided, single submitter. Criteria: ICSL Variant Classification Criteria 13 December 2019. Collection method: clinical testing. Allele origin: germline.

Breakthrough Genomics
Classification: Uncertain significance. Review status: criteria provided, single submitter. Criteria: ACMG Guidelines, 2015. Collection method: not provided. Allele origin: germline. Inheritance: Autosomal recessive inheritance. Affected: yes.